The following is an entry in ClinVar:

NM_000059.4(BRCA2):c.1258G>T (p.Asp420Tyr)

Gene: BRCA2 (BRCA2 DNA repair associated; plus strand). Cytogenetic location: 13q13.1.
Variant type: single nucleotide variant.
Coding change: c.1258G>T on transcript NM_000059.4 (MANE Select); coding-DNA position 1258, G replaced by T.
Protein change: p.Asp420Tyr; replaces aspartic acid 420 with tyrosine.
Molecular consequence: missense variant. On other transcripts: non-coding transcript variant (1), intron variant (1).
Genome position (GRCh38, 1-based): chr13:32,332,736, G>T. VCF-style: chr13-32332736-G-T. GRCh37 (hg19) VCF-style: chr13-32906873-G-T.
Other names: c.1258G>T, p.Asp420Tyr (NM_001406719.1, NM_001406720.1, NM_001406721.1 and 1 more transcripts); c.424+1706G>T (NM_001406722.1); short protein forms D420Y.
Identifiers: ClinVar variation 4856460 (VCV004856460.1).

ClinVar aggregate classification (germline): Likely benign (1 of 4 stars; one submission).

Conditions:
Breast-ovarian cancer, familial, susceptibility to, 2 (BROVCA2). Also called: BRCA2 Hereditary Breast and Ovarian Cancer. Identifiers: Orphanet 145, MedGen C2675520, MONDO:0012933, OMIM 612555. Disease mechanism: loss of function.

gnomAD v4.1: 1 of 1,610,338 alleles (0.000062%); highest among the groups gnomAD compares: South Asian, 0.0011%; no homozygotes.

Submission:

Cancer Bioinformatics and Tumour Evolution Laboratory, Monash University
Classification: Likely benign for Breast-ovarian cancer, familial, susceptibility to, 2. Last evaluated: 2026-05-01. Review status: criteria provided, single submitter. Criteria: ClinGen BRCA1 and BRCA2 Guidelines, 2024. Collection method: curation. Allele origin: germline. Inheritance: Autosomal dominant inheritance.
Comment: Missense variant outside of a functional domain with no splice impact. BRCA1 and BRCA2 VCEP guidelines recommend application of BP1_Strong (PMID: 39142283)